The following is an entry in ClinVar:

ClinVar aggregate classification (germline): Likely benign. Review status: criteria provided, multiple submitters, no conflicts (2 of 4 stars). 4 submissions from 4 submitters: Likely benign (3). 1 of the submissions does not count toward it. Last evaluated 2025-11-19.

Conditions:
IGSF10-related disorder. Also called: IGSF10-related condition.

Allele frequency attached by ClinVar (database versions not stated): ESP Exome Variant Server 0.00054; TOPMed 0.00061; gnomAD exomes 0.00089; ExAC 0.00097; gnomAD 0.00117 and 0.00126.
gnomAD v4.1: 1,379 of 1,614,050 alleles (0.085%); highest among the groups gnomAD compares: Non-Finnish European, 0.094%; 2 homozygotes.

Submissions (4):

Labcorp Genetics (formerly Invitae), Labcorp
Classification: Likely benign. Last evaluated: 2025-11-19. Review status: criteria provided, single submitter. Criteria: Invitae Variant Classification Sherloc (09022015). Collection method: clinical testing. Allele origin: germline.

CeGaT Center for Human Genetics Tuebingen
Classification: Likely benign. Last evaluated: 2024-05-01. Review status: criteria provided, single submitter. Criteria: CeGaT Center For Human Genetics Tuebingen Variant Classification Criteria Version 2. Collection method: clinical testing. Allele origin: germline. Affected: yes. Observed: 2 variant alleles.
Comment: IGSF10: BP4, BS2

Ambry Genetics
Classification: Likely benign. Last evaluated: 2022-08-08. Review status: criteria provided, single submitter. Criteria: Ambry Variant Classification Scheme 2023. Collection method: clinical testing. Allele origin: germline.

PreventionGenetics, part of Exact Sciences
Classification: Likely benign for IGSF10-related condition. Last evaluated: 2022-04-08. Review status: no assertion criteria provided. Collection method: clinical testing. Allele origin: germline. Not counted in ClinVar's aggregate classification.
Comment: This variant is classified as likely benign based on ACMG/AMP sequence variant interpretation guidelines (Richards et al. 2015 PMID: 25741868, with internal and published modifications).

NM_178822.5(IGSF10):c.875G>A (p.Ser292Asn)

Gene: IGSF10 (immunoglobulin superfamily member 10; minus strand). Cytogenetic location: 3q25.1.
Variant type: single nucleotide variant.
Coding change: c.875G>A on transcript NM_178822.5 (MANE Select); coding-DNA position 875, G replaced by A.
Protein change: p.Ser292Asn; replaces serine 292 with asparagine.
Molecular consequence: missense variant.
Genome position (GRCh38, 1-based): chr3:151,449,106, C>T on the plus strand (G>A on the coding strand, the complement: IGSF10 is on the minus strand). VCF-style: chr3-151449106-C-T. GRCh37 (hg19) VCF-style: chr3-151166894-C-T.
Other names: c.875G>A, p.Ser292Asn (NM_001385060.1, NM_001385061.1, NM_001385062.1 and 1 more transcripts); short protein forms S292N.
Identifiers: ClinVar variation 726242 (VCV000726242.35), dbSNP rs142668910, ClinGen allele CA2670654.